The following is an entry in ClinVar:

NM_019066.5(MAGEL2):c.3182T>G (p.Ile1061Ser)

Gene: MAGEL2 (MAGE family member L2; minus strand). Cytogenetic location: 15q11.2.
Variant type: single nucleotide variant.
Coding change: c.3182T>G on transcript NM_019066.5 (MANE Select); coding-DNA position 3182, T replaced by G.
Protein change: p.Ile1061Ser; replaces isoleucine 1061 with serine.
Molecular consequence: missense variant.
Genome position (GRCh38, 1-based): chr15:23,644,561, A>C on the plus strand (T>G on the coding strand, the complement: MAGEL2 is on the minus strand). VCF-style: chr15-23644561-A-C. GRCh37 (hg19) VCF-style: chr15-23889708-A-C.
Other names: short protein forms I1061S.
Identifiers: ClinVar variation 2629314 (VCV002629314.2), dbSNP rs1401678771, ClinGen allele CA391324976.
Genomic context (GRCh38, chr15:23,644,561, plus strand): 5'-TCAATTTCTTTCAATTGATAACCAAAGGCACACTCCAGCTTATTGTTGGCACGGTTGATG[A>C]TATCTAAGCACTCATCTTTATACTCTCGGAGGATGACTTTCACCATCTCCGAGCGCTGGA-3'
Protein context (NP_061939.3, residues 1051-1071): LREYKDECLD[Ile1061Ser]INRANNKLEC

ClinVar aggregate classification (germline): Uncertain significance. Review status: criteria provided, multiple submitters, no conflicts (2 of 4 stars). 2 submissions from 2 submitters: Uncertain significance (2). Last evaluated 2024-01-09.

Conditions:
Inborn genetic diseases. Identifiers: MedGen C0950123, MeSH D030342.
MAGEL2-related disorder. Also called: MAGEL2-related condition.

Allele frequency attached by ClinVar (database versions not stated): TOPMed below 0.00001; gnomAD 0.00001; gnomAD exomes 0.00001.
gnomAD v4.1: 14 of 1,613,750 alleles (0.00087%); highest among the groups gnomAD compares: African/African-American, 0.0013%; no homozygotes.

Submissions (2):

Ambry Genetics
Classification: Uncertain significance for Inborn genetic diseases. Last evaluated: 2024-01-09. Review status: criteria provided, single submitter. Criteria: Ambry Variant Classification Scheme 2023. Collection method: clinical testing. Allele origin: germline.

PreventionGenetics, part of Exact Sciences
Classification: Uncertain significance for MAGEL2-related condition. Last evaluated: 2023-05-08. Review status: criteria provided, single submitter. Criteria: ACMG Guidelines, 2015. Collection method: clinical testing. Allele origin: germline.
Comment: The MAGEL2 c.3182T>G variant is predicted to result in the amino acid substitution p.Ile1061Ser. To our knowledge, this variant has not been reported in the literature or in a large population database, indicating this variant is rare. At this time, the clinical significance of this variant is uncertain due to the absence of conclusive functional and genetic evidence.